The following is an entry in ClinVar:

ClinVar aggregate classification (germline): Uncertain significance. Review status: criteria provided, multiple submitters, no conflicts (2 of 4 stars). 2 submissions from 2 submitters: Uncertain significance (2). Last evaluated 2024-11-24.

Conditions:
Mosaic variegated aneuploidy syndrome 1 (MVA1). Also called: Warburton-Anyane-Yeboa syndrome. Identifiers: Orphanet 1052, MedGen C1850343, MONDO:0009759, OMIM 257300.
Inborn genetic diseases. Identifiers: MedGen C0950123, MeSH D030342.

Allele frequency attached by ClinVar (database versions not stated): gnomAD exomes 0.00001.
gnomAD v4.1: 20 of 1,614,148 alleles (0.0012%); highest among the groups gnomAD compares: Non-Finnish European, 0.0016%; no homozygotes.

Submissions (2):

Labcorp Genetics (formerly Invitae), Labcorp
Classification: Uncertain significance for Mosaic variegated aneuploidy syndrome 1. Last evaluated: 2024-11-24. Review status: criteria provided, single submitter. Criteria: Invitae Variant Classification Sherloc (09022015). Collection method: clinical testing. Allele origin: germline.
Comment: This sequence change replaces cysteine, which is neutral and slightly polar, with tyrosine, which is neutral and polar, at codon 744 of the BUB1B protein (p.Cys744Tyr). This variant is present in population databases (no rsID available, gnomAD 0.002%). This variant has not been reported in the literature in individuals affected with BUB1B-related conditions. ClinVar contains an entry for this variant (Variation ID: 2062934). An algorithm developed to predict the effect of missense changes on protein structure and function outputs the following: PolyPhen-2: "Benign". The tyrosine amino acid residue is found in multiple mammalian species, which suggests that this missense change does not adversely affect protein function. In summary, the available evidence is currently insufficient to determine the role of this variant in disease. Therefore, it has been classified as a Variant of Uncertain Significance.

Ambry Genetics
Classification: Uncertain significance for Inborn genetic diseases. Last evaluated: 2022-11-07. Review status: criteria provided, single submitter. Criteria: Ambry Variant Classification Scheme 2023. Collection method: clinical testing. Allele origin: germline.
Comment: The p.C744Y variant (also known as c.2231G>A), located in coding exon 17 of the BUB1B gene, results from a G to A substitution at nucleotide position 2231. The cysteine at codon 744 is replaced by tyrosine, an amino acid with highly dissimilar properties. This amino acid position is conserved. In addition, this alteration is predicted to be tolerated by in silico analysis. Since supporting evidence is limited at this time, the clinical significance of this alteration remains unclear.

NM_001211.6(BUB1B):c.2231G>A (p.Cys744Tyr)

Gene: BUB1B (BUB1 mitotic checkpoint serine/threonine kinase B; plus strand). Cytogenetic location: 15q15.1.
Variant type: single nucleotide variant.
Coding change: c.2231G>A on transcript NM_001211.6 (MANE Select); coding-DNA position 2231, G replaced by A.
Protein change: p.Cys744Tyr; replaces cysteine 744 with tyrosine.
Molecular consequence: missense variant.
Genome position (GRCh38, 1-based): chr15:40,209,722, G>A. VCF-style: chr15-40209722-G-A. GRCh37 (hg19) VCF-style: chr15-40501923-G-A.
Other names: short protein forms C744Y.
Identifiers: ClinVar variation 2062934 (VCV002062934.5), dbSNP rs1360212119, ClinGen allele CA391694445.